The following is an entry in ClinVar:

NM_000059.4(BRCA2):c.239T>C (p.Ile80Thr)

Gene: BRCA2 (BRCA2 DNA repair associated; plus strand). Cytogenetic location: 13q13.1.
Variant type: single nucleotide variant.
Coding change: c.239T>C on transcript NM_000059.4 (MANE Select); coding-DNA position 239, T replaced by C.
Protein change: p.Ile80Thr; replaces isoleucine 80 with threonine.
Molecular consequence: missense variant.
Genome position (GRCh38, 1-based): chr13:32,319,248, T>C. VCF-style: chr13-32319248-T-C. GRCh37 (hg19) VCF-style: chr13-32893385-T-C.
Other names: short protein forms I80T.
Identifiers: ClinVar variation 491217 (VCV000491217.8), dbSNP rs1555280392, ClinGen allele CA387754520.

ClinVar aggregate classification (germline): Uncertain significance. Review status: criteria provided, multiple submitters, no conflicts (2 of 4 stars). 2 submissions from 2 submitters: Uncertain significance (2). Last evaluated 2019-06-28.

Conditions:
Hereditary cancer-predisposing syndrome. Also called: Hereditary neoplastic syndrome; Tumor predisposition; Hereditary Cancer Syndrome; Neoplastic Syndromes, Hereditary. Identifiers: Orphanet 140162, MedGen C0027672, MeSH D009386, MONDO:0015356.

Submissions (2):

Color Diagnostics, LLC DBA Color Health
Classification: Uncertain significance for Hereditary cancer-predisposing syndrome. Last evaluated: 2019-06-28. Review status: criteria provided, single submitter. Criteria: ACMG Guidelines, 2015. Collection method: clinical testing. Allele origin: germline.

Ambry Genetics
Classification: Uncertain significance for Hereditary cancer-predisposing syndrome. Last evaluated: 2018-01-13. Review status: criteria provided, single submitter. Criteria: Ambry Variant Classification Scheme 2023. Collection method: clinical testing. Allele origin: germline.
Comment: The p.I80T variant (also known as c.239T>C), located in coding exon 2 of the BRCA2 gene, results from a T to C substitution at nucleotide position 239. The isoleucine at codon 80 is replaced by threonine, an amino acid with similar properties. This amino acid position is not well conserved in available vertebrate species. In addition, the in silico prediction for this alteration is inconclusive. Since supporting evidence is limited at this time, the clinical significance of this alteration remains unclear.